The following is an entry in ClinVar:

ClinVar aggregate classification (germline): Likely benign. Review status: criteria provided, single submitter (1 of 4 stars). 2 submissions from 2 submitters: Likely benign (1). 1 of the submissions does not count toward it. Last evaluated 2025-12-11.

Conditions:
RP9-related disorder. Also called: RP9-related condition.

Allele frequency attached by ClinVar (database versions not stated): TOPMed below 0.00001; gnomAD exomes 0.00001.
gnomAD v4.1: 11 of 1,613,678 alleles (0.00068%); highest among the groups gnomAD compares: South Asian, 0.011%; no homozygotes.

Submissions (2):

Labcorp Genetics (formerly Invitae), Labcorp
Classification: Likely benign. Last evaluated: 2025-12-11. Review status: criteria provided, single submitter. Criteria: Invitae Variant Classification Sherloc (09022015). Collection method: clinical testing. Allele origin: germline.

PreventionGenetics, part of Exact Sciences
Classification: Likely benign for RP9-related condition. Last evaluated: 2020-01-21. Review status: no assertion criteria provided. Collection method: clinical testing. Allele origin: germline. Not counted in ClinVar's aggregate classification.
Comment: This variant is classified as likely benign based on ACMG/AMP sequence variant interpretation guidelines (Richards et al. 2015 PMID: 25741868, with internal and published modifications).

NM_203288.2(RP9):c.249T>C (p.Phe83=)

Gene: RP9 (RP9 pre-mRNA splicing factor; minus strand). Cytogenetic location: 7p14.3.
Variant type: single nucleotide variant.
Coding change: c.249T>C on transcript NM_203288.2 (MANE Select); coding-DNA position 249, T replaced by C.
Protein change: p.Phe83=; no amino-acid change (phenylalanine 83 retained).
Molecular consequence: synonymous variant.
Genome position (GRCh38, 1-based): chr7:33,099,371, A>G on the plus strand (T>C on the coding strand, the complement: RP9 is on the minus strand). VCF-style: chr7-33099371-A-G. GRCh37 (hg19) VCF-style: chr7-33138983-A-G.
Identifiers: ClinVar variation 3051228 (VCV003051228.3), dbSNP rs1325951550, ClinGen allele CA454342875.